The following is an entry in ClinVar:

NM_001845.6(COL4A1):c.1858G>C (p.Ala620Pro)

Gene: COL4A1 (collagen type IV alpha 1 chain; minus strand). Cytogenetic location: 13q34.
Variant type: single nucleotide variant.
Coding change: c.1858G>C on transcript NM_001845.6 (MANE Select); coding-DNA position 1858, G replaced by C.
Protein change: p.Ala620Pro; replaces alanine 620 with proline.
Molecular consequence: missense variant.
Genome position (GRCh38, 1-based): chr13:110,186,424, C>G on the plus strand (G>C on the coding strand, the complement: COL4A1 is on the minus strand). VCF-style: chr13-110186424-C-G. GRCh37 (hg19) VCF-style: chr13-110838771-C-G.
Other names: short protein forms A620P.
Identifiers: ClinVar variation 311061 (VCV000311061.19), dbSNP rs372803920, ClinGen allele CA7047812.

ClinVar aggregate classification (germline): Conflicting classifications of pathogenicity. Review status: criteria provided, conflicting classifications (1 of 4 stars). 6 submissions from 5 submitters: Uncertain significance (4); Likely benign (2). Last evaluated 2025-12-28.

Conditions:
Brain small vessel disease 1 with or without ocular anomalies (BSVD1). Also called: BRAIN SMALL VESSEL DISEASE WITH HEMORRHAGE; GOULD SYNDROME 1; PORENCEPHALY, TYPE 1, AUTOSOMAL DOMINANT; Brain small vessel disease with or without ocular anomalies. Identifiers: Orphanet 2940, Orphanet 36383, Orphanet 99810, MedGen C4755307, MONDO:0008289, OMIM 175780.
Autosomal dominant familial hematuria-retinal arteriolar tortuosity-contractures syndrome. Also called: Angiopathy, hereditary, with nephropathy, aneurysms, and muscle cramps; Hereditary Angiopathy with Nephropathy, Aneurysms, and Muscle Cramps (HANAC) Syndrome. Identifiers: Orphanet 73229, MedGen C2673195, MONDO:0012726, OMIM 611773.

Allele frequency attached by ClinVar (database versions not stated): ExAC 0.00003; gnomAD exomes 0.00004; gnomAD 0.00006; TOPMed 0.00006; ESP Exome Variant Server 0.00008.
gnomAD v4.1: 249 of 1,613,632 alleles (0.015%); highest among the groups gnomAD compares: Non-Finnish European, 0.02%; no homozygotes.

Submissions (6):

Labcorp Genetics (formerly Invitae), Labcorp
Classification: Uncertain significance. Last evaluated: 2025-12-28. Review status: criteria provided, single submitter. Criteria: Invitae Variant Classification Sherloc (09022015). Collection method: clinical testing. Allele origin: germline.
Comment: This sequence change replaces alanine, which is neutral and non-polar, with proline, which is neutral and non-polar, at codon 620 of the COL4A1 protein (p.Ala620Pro). This variant is present in population databases (rs372803920, gnomAD 0.009%). This variant has not been reported in the literature in individuals affected with COL4A1-related conditions. ClinVar contains an entry for this variant (Variation ID: 311061). Invitae Evidence Modeling of protein sequence and biophysical properties (such as structural, functional, and spatial information, amino acid conservation, physicochemical variation, residue mobility, and thermodynamic stability) indicates that this missense variant is not expected to disrupt COL4A1 protein function with a negative predictive value of 95%. In summary, the available evidence is currently insufficient to determine the role of this variant in disease. Therefore, it has been classified as a Variant of Uncertain Significance.

Women's Health and Genetics/Laboratory Corporation of America, LabCorp
Classification: Uncertain significance. Last evaluated: 2024-10-02. Review status: criteria provided, single submitter. Criteria: LabCorp Variant Classification Summary - May 2015. Collection method: clinical testing. Allele origin: germline.
Comment: Variant summary: COL4A1 c.1858G>C (p.Ala620Pro) results in a non-conservative amino acid change in the encoded protein sequence. Four of five in-silico tools predict a benign effect of the variant on protein function. The variant allele was found at a frequency of 4.4e-05 in 250104 control chromosomes (gnomAD). c.1858G>C has been reported in the literature in an individual suspected of having idiopathic cutaneous vasculitis along with several other variants in other genes (example: Omoyinmi_2017). This report does not provide unequivocal conclusions about association of the variant with Porencephaly 1. To our knowledge, no experimental evidence demonstrating an impact on protein function has been reported. The following publication has been ascertained in the context of this evaluation (PMID: 28750028). ClinVar contains an entry for this variant (Variation ID: 311061). Based on the evidence outlined above, the variant was classified as uncertain significance.

GeneDx
Classification: Uncertain significance. Last evaluated: 2024-09-17. Review status: criteria provided, single submitter. Criteria: GeneDx Variant Classification Process June 2021. Collection method: clinical testing. Allele origin: germline. Affected: yes.
Comment: Has not been previously published as pathogenic or benign to our knowledge; In silico analysis indicates that this missense variant does not alter protein structure/function; Occurs in the triple helical domain at the Y position in the canonical Gly-X-Y repeat; although this variant may have an effect on normal protein folding and function, missense substitution at the Y position is not a common mechanism of disease

Revvity Omics, Revvity
Classification: Uncertain significance. Last evaluated: 2023-04-25. Review status: criteria provided, single submitter. Criteria: ACMG Guidelines, 2015. Collection method: clinical testing. Allele origin: germline.

Illumina Laboratory Services, Illumina
Classification: Likely benign for Brain small vessel disease 1 with or without ocular anomalies. Last evaluated: 2018-01-13. Review status: criteria provided, single submitter. Criteria: ICSL Variant Classification Criteria 13 December 2019. Collection method: clinical testing. Allele origin: germline.
Comment: This variant was observed in the ICSL laboratory as part of a predisposition screen in an ostensibly healthy population. It had not been previously curated by ICSL or reported in the Human Gene Mutation Database (HGMD: prior to June 1st, 2018), and was therefore a candidate for classification through an automated scoring system. Utilizing variant allele frequency, disease prevalence and penetrance estimates, and inheritance mode, an automated score was calculated to assess if this variant is too frequent to cause the disease. Based on the score and internal cut-off values, a variant classified as likely benign is not then subjected to further curation. The score for this variant resulted in a classification of likely benign for this disease.

Illumina Laboratory Services, Illumina
Classification: Likely benign for Autosomal dominant familial hematuria-retinal arteriolar tortuosity-contractures syndrome. Last evaluated: 2018-01-13. Review status: criteria provided, single submitter. Criteria: ICSL Variant Classification Criteria 13 December 2019. Collection method: clinical testing. Allele origin: germline.
Comment: the same text as in the submission from Illumina Laboratory Services, Illumina above.

Literature cited by the submitters: PubMed 28750028 (cited by Women's Health and Genetics/Laboratory Corporation of America, LabCorp).